The following is an entry in ClinVar:

NM_001257359.2(SAMD14):c.552C>A (p.Leu184=)

Gene: SAMD14 (sterile alpha motif domain containing 14; minus strand). Cytogenetic location: 17q21.33.
Variant type: single nucleotide variant.
Coding change: c.552C>A on transcript NM_001257359.2 (MANE Select); coding-DNA position 552, C replaced by A.
Protein change: p.Leu184=; no amino-acid change (leucine 184 retained).
Molecular consequence: synonymous variant.
Genome position (GRCh38, 1-based): chr17:50,116,038, G>T on the plus strand (C>A on the coding strand, the complement: SAMD14 is on the minus strand). VCF-style: chr17-50116038-G-T. GRCh37 (hg19) VCF-style: chr17-48193402-G-T.
Other names: c.552C>A, p.Leu184= (NM_174920.4).
Identifiers: ClinVar variation 3031865 (VCV003031865.2), dbSNP rs377751890, ClinGen allele CA291531392.

ClinVar aggregate classification (germline): Likely benign (0 of 4 stars; one submission).

Conditions:
SAMD14-related disorder. Also called: SAMD14-related condition.

Allele frequency attached by ClinVar (database versions not stated): ESP Exome Variant Server 0.00008.
gnomAD v4.1: 7 of 1,613,898 alleles (0.00043%); highest among the groups gnomAD compares: Non-Finnish European, 0.00059%; no homozygotes.

Submission:

PreventionGenetics, part of Exact Sciences
Classification: Likely benign for SAMD14-related condition. Last evaluated: 2024-01-14. Review status: no assertion criteria provided. Collection method: clinical testing. Allele origin: germline.
Comment: This variant is classified as likely benign based on ACMG/AMP sequence variant interpretation guidelines (Richards et al. 2015 PMID: 25741868, with internal and published modifications).